The following is an entry in ClinVar:

ClinVar aggregate classification (germline): Uncertain significance. Review status: criteria provided, multiple submitters, no conflicts (2 of 4 stars). 2 submissions from 2 submitters: Uncertain significance (2). Last evaluated 2024-05-14.

Conditions:
Duchenne muscular dystrophy (DMD). Also called: MUSCULAR DYSTROPHY, PSEUDOHYPERTROPHIC PROGRESSIVE, DUCHENNE TYPE; Duchenne Muscular Dystrophy (DMD). Identifiers: Orphanet 98896, MedGen C0013264, MONDO:0010679, OMIM 310200.

Submissions (2):

Blueprint Genetics
Classification: Uncertain significance. Last evaluated: 2024-05-14. Review status: criteria provided, single submitter. Criteria: ACMG Guidelines, 2015. Collection method: clinical testing. Allele origin: germline.

Labcorp Genetics (formerly Invitae), Labcorp
Classification: Uncertain significance for Duchenne muscular dystrophy. Last evaluated: 2021-08-28. Review status: criteria provided, single submitter. Criteria: Invitae Variant Classification Sherloc (09022015). Collection method: clinical testing. Allele origin: germline.
Comment: This sequence change replaces valine with glutamic acid at codon 582 of the DMD protein (p.Val582Glu). The valine residue is weakly conserved and there is a moderate physicochemical difference between valine and glutamic acid. This variant is not present in population databases (ExAC no frequency). This variant has not been reported in the literature in individuals affected with DMD-related conditions. Algorithms developed to predict the effect of missense changes on protein structure and function are either unavailable or do not agree on the potential impact of this missense change (SIFT: "Deleterious"; PolyPhen-2: "Benign"; Align-GVGD: "Class C35"). In summary, the available evidence is currently insufficient to determine the role of this variant in disease. Therefore, it has been classified as a Variant of Uncertain Significance.

NM_004006.3(DMD):c.1745T>A (p.Val582Glu)

Gene: DMD (dystrophin; minus strand). Cytogenetic location: Xp21.1.
Variant type: single nucleotide variant.
Coding change: c.1745T>A on transcript NM_004006.3 (MANE Select); coding-DNA position 1745, T replaced by A.
Protein change: p.Val582Glu; replaces valine 582 with glutamic acid.
Molecular consequence: missense variant.
Genome position (GRCh38, 1-based): chrX:32,573,597, A>T on the plus strand (T>A on the coding strand, the complement: DMD is on the minus strand). VCF-style: chrX-32573597-A-T. GRCh37 (hg19) VCF-style: chrX-32591714-A-T.
Other names: c.1721T>A, p.Val574Glu (NM_000109.4); c.1733T>A, p.Val578Glu (NM_004009.3); c.1376T>A, p.Val459Glu (NM_004010.3); short protein forms V582E, V578E, V459E, V574E.
Identifiers: ClinVar variation 455869 (VCV000455869.5), dbSNP rs1556809842, ClinGen allele CA412673212.